The following is an entry in ClinVar:

NM_014679.5(CEP57):c.185C>T (p.Pro62Leu)

Gene: CEP57 (centrosomal protein 57; plus strand). Cytogenetic location: 11q21.
Variant type: single nucleotide variant.
Coding change: c.185C>T on transcript NM_014679.5 (MANE Select); coding-DNA position 185, C replaced by T.
Protein change: p.Pro62Leu; replaces proline 62 with leucine.
Molecular consequence: missense variant.
Genome position (GRCh38, 1-based): chr11:95,799,371, C>T. VCF-style: chr11-95799371-C-T. GRCh37 (hg19) VCF-style: chr11-95532535-C-T.
Other names: c.158C>T, p.Pro53Leu (NM_001243776.2); c.185C>T, p.Pro62Leu (NM_001243777.2); c.104C>T, p.Pro35Leu (NM_001363604.2); short protein forms P53L, P35L, P62L.
Identifiers: ClinVar variation 1418901 (VCV001418901.8), dbSNP rs2135260052, ClinGen allele CA382416042.
Genomic context (GRCh38, chr11:95,799,371, plus strand): 5'-ATAAGCCTTTCCTTAATAGTGATCTACGACGCTCCCCAAGTAAGCCTACACTTGCCTATC[C>T]AGAAAGCAACAGCAGAGGTAATCGAGCCTAACGAAATAAATGTTATTTGTGTTTTCTTGC-3'
Protein context (NP_055494.2, residues 52-72): RSPSKPTLAY[Pro62Leu]ESNSRAIFSA

ClinVar aggregate classification (germline): Uncertain significance (1 of 4 stars; one submission).

Conditions:
Mosaic variegated aneuploidy syndrome 2 (MVA2). Identifiers: Orphanet 1052, MedGen C3279843, MONDO:0013582, OMIM 614114.

Submission:

Labcorp Genetics (formerly Invitae), Labcorp
Classification: Uncertain significance for Mosaic variegated aneuploidy syndrome 2. Last evaluated: 2023-12-11. Review status: criteria provided, single submitter. Criteria: Invitae Variant Classification Sherloc (09022015). Collection method: clinical testing. Allele origin: germline.
Comment: This sequence change replaces proline, which is neutral and non-polar, with leucine, which is neutral and non-polar, at codon 62 of the CEP57 protein (p.Pro62Leu). This variant is not present in population databases (gnomAD no frequency). This variant has not been reported in the literature in individuals affected with CEP57-related conditions. ClinVar contains an entry for this variant (Variation ID: 1418901). Advanced modeling of protein sequence and biophysical properties (such as structural, functional, and spatial information, amino acid conservation, physicochemical variation, residue mobility, and thermodynamic stability) performed at Invitae indicates that this missense variant is expected to disrupt CEP57 protein function with a positive predictive value of 80%. Algorithms developed to predict the effect of sequence changes on RNA splicing suggest that this variant may create or strengthen a splice site. In summary, the available evidence is currently insufficient to determine the role of this variant in disease. Therefore, it has been classified as a Variant of Uncertain Significance.